The following is an entry in ClinVar:

ClinVar aggregate classification (germline): Uncertain significance (1 of 4 stars; one submission).

Conditions:
Catecholaminergic polymorphic ventricular tachycardia 1. Also called: RYR2-Related Catecholaminergic Polymorphic Ventricular Tachycardia; VENTRICULAR TACHYCARDIA, STRESS-INDUCED POLYMORPHIC 1; VENTRICULAR TACHYCARDIA, CATECHOLAMINERGIC POLYMORPHIC, 1, WITH OR WITHOUT ATRIAL DYSFUNCTION AND/OR DILATED CARDIOMYOPATHY. Identifiers: Orphanet 3286, MedGen C1631597, MONDO:0011484, OMIM 604772.

Submission:

Labcorp Genetics (formerly Invitae), Labcorp
Classification: Uncertain significance for Catecholaminergic polymorphic ventricular tachycardia 1. Last evaluated: 2025-08-21. Review status: criteria provided, single submitter. Criteria: Invitae Variant Classification Sherloc (09022015). Collection method: clinical testing. Allele origin: germline.
Comment: This sequence change creates a premature translational stop signal (p.Leu14Cysfs*88) in the RYR2 gene. It is expected to result in an absent or disrupted protein product. However, the current clinical and genetic evidence is not sufficient to establish whether loss-of-function variants in RYR2 cause disease. This variant is not present in population databases (gnomAD no frequency). This variant has not been reported in the literature in individuals affected with RYR2-related conditions. Experimental studies and prediction algorithms are not available or were not evaluated, and the functional significance of this variant is currently unknown. In summary, the available evidence is currently insufficient to determine the role of this variant in disease. Therefore, it has been classified as a Variant of Uncertain Significance.

NM_001035.3(RYR2):c.40del (p.Leu14fs)

Gene: RYR2 (ryanodine receptor 2; plus strand). Cytogenetic location: 1q43.
Variant type: Deletion.
Coding change: c.40del on transcript NM_001035.3 (MANE Select); coding-DNA position 40, one base deleted (C; older notation c.40delC).
Protein change: p.Leu14fs; shifts the reading frame from leucine 14.
Molecular consequence: frameshift variant.
Genome position (GRCh38, 1-based): chr1:237,042,561, C deleted; the last of 2 consecutive C bases (chr1:237,042,560-237,042,561); deleting either gives the same sequence. VCF-style (leftmost placement, unchanged base first): chr1-237042559-TC-T. GRCh37 (hg19) VCF-style: chr1-237205859-TC-T.
Other names: short protein forms L14fs.
Identifiers: ClinVar variation 4761173 (VCV004761173.1).
Genomic context (GRCh38, chr1:237,042,559, plus strand): 5'-CCCCGGCGAGGAGGCGCGGAACCATGGCCGATGGGGGCGAGGGCGAAGACGAGATCCAGT[TC>T]CTGCGAACTGTAAGCGCCGTGCGTCGCGTGTGCTGTCAGGGGAAGGGGGCGTCAGGGCAT-3'